The following is an entry in ClinVar:

NM_201525.4(ADGRG1):c.769-80GT[7]

Gene: ADGRG1 (adhesion G protein-coupled receptor G1; plus strand). Cytogenetic location: 16q21.
Variant type: Microsatellite.
Coding change: c.769-80GT[7] on transcript NM_201525.4 (MANE Select); seven copies in a row of the 2-base unit GT starting at c.769-80.
Molecular consequence: intron variant.
Genome position: GRCh38 VCF-style: chr16-57655318-GGT-G. GRCh37 (hg19) VCF-style: chr16-57689230-GGT-G.
Other names: c.769-80GT[7] (NM_001370440.1, NM_001370428.1, NM_001370436.1 and 16 more transcripts); c.259-80GT[7] (NM_001290142.2); c.244-80GT[7] (NM_001370451.1, NM_001290143.2, NM_001370453.1 and 2 more transcripts); c.613-80GT[7] (NM_001370442.1); c.784-80GT[7] (NM_001370433.1, NM_001145773.3).
Identifiers: ClinVar variation 670400 (VCV000670400.1), dbSNP rs34289485, ClinGen allele CA281575009.
Genomic context (GRCh38, chr16:57,655,318, plus strand): 5'-GAGTCAGGCTTGACTTCCTGAAGAAATGGGCTTAGAAGTGGCAGCGTCCAGGAACGGATG[GGT>G]GTGTGTGTGTGTGTGCTAGGGTGGGGGGCACGGATCTAGGGGTCCGCATTTGGCTGAGCC-3'

ClinVar aggregate classification (germline): Benign (1 of 4 stars; one submission).

Submission:

GeneDx
Classification: Benign. Last evaluated: 2018-06-19. Review status: criteria provided, single submitter. Criteria: GeneDx Variant Classification (06012015). Collection method: clinical testing. Allele origin: germline. Affected: yes.
Comment: This variant is considered likely benign or benign based on one or more of the following criteria: it is a conservative change, it occurs at a poorly conserved position in the protein, it is predicted to be benign by multiple in silico algorithms, and/or has population frequency not consistent with disease.